The following is an entry in ClinVar:

NM_001130698.2(TRPC3):c.1253C>A (p.Thr418Asn)

Gene: TRPC3 (transient receptor potential cation channel subfamily C member 3; minus strand). Cytogenetic location: 4q27.
Variant type: single nucleotide variant.
Coding change: c.1253C>A on transcript NM_001130698.2 (MANE Select); coding-DNA position 1253, C replaced by A.
Protein change: p.Thr418Asn; replaces threonine 418 with asparagine.
Molecular consequence: missense variant.
Genome position (GRCh38, 1-based): chr4:121,914,868, G>T on the plus strand (C>A on the coding strand, the complement: TRPC3 is on the minus strand). VCF-style: chr4-121914868-G-T. GRCh37 (hg19) VCF-style: chr4-122836023-G-T.
Other names: c.1253C>A, p.Thr418Asn (NM_001366479.2); c.1034C>A, p.Thr345Asn (NM_003305.2); short protein forms T345N, T418N.
Identifiers: ClinVar variation 3603784 (VCV003603784.2).

ClinVar aggregate classification (germline): Uncertain significance (1 of 4 stars; one submission).

gnomAD v4.1: 69 of 1,613,966 alleles (0.0043%); highest among the groups gnomAD compares: Non-Finnish European, 0.0052%; no homozygotes.

Submission:

Labcorp Genetics (formerly Invitae), Labcorp
Classification: Uncertain significance. Last evaluated: 2025-03-13. Review status: criteria provided, single submitter. Criteria: Invitae Variant Classification Sherloc (09022015). Collection method: clinical testing. Allele origin: germline.
Comment: This sequence change replaces threonine, which is neutral and polar, with asparagine, which is neutral and polar, at codon 418 of the TRPC3 protein (p.Thr418Asn). This variant is present in population databases (rs145495608, gnomAD 0.007%). This variant has not been reported in the literature in individuals affected with TRPC3-related conditions. Invitae Evidence Modeling of protein sequence and biophysical properties (such as structural, functional, and spatial information, amino acid conservation, physicochemical variation, residue mobility, and thermodynamic stability) indicates that this missense variant is not expected to disrupt TRPC3 protein function with a negative predictive value of 80%. In summary, the available evidence is currently insufficient to determine the role of this variant in disease. Therefore, it has been classified as a Variant of Uncertain Significance.